The following is an entry in ClinVar:

ClinVar aggregate classification (germline): Uncertain significance (1 of 4 stars; one submission).

Allele frequency attached by ClinVar (database versions not stated): gnomAD exomes below 0.00001 and 0.00001; ExAC 0.00001; ESP Exome Variant Server 0.00008.
gnomAD v4.1: 3 of 1,614,198 alleles (0.00019%); highest among the groups gnomAD compares: Non-Finnish European, 0.00017%; no homozygotes.

Submission:

Labcorp Genetics (formerly Invitae), Labcorp
Classification: Uncertain significance. Last evaluated: 2017-12-10. Review status: criteria provided, single submitter. Criteria: Invitae Variant Classification Sherloc (09022015). Collection method: clinical testing. Allele origin: germline.
Comment: In summary, the available evidence is currently insufficient to determine the role of this variant in disease. Therefore, it has been classified as a Variant of Uncertain Significance. Algorithms developed to predict the effect of missense changes on protein structure and function do not agree on the potential impact of this missense change (SIFT: "Deleterious"; PolyPhen-2: "Benign"; Align-GVGD: "Class C25"). This variant has not been reported in the literature in individuals with SZT2-related disease. This variant is present in population databases (rs145760361, ExAC 0.001%). This sequence change replaces isoleucine with threonine at codon 1184 of the SZT2 protein (p.Ile1184Thr). The isoleucine residue is highly conserved and there is a moderate physicochemical difference between isoleucine and threonine.

NM_001365999.1(SZT2):c.3722T>C (p.Ile1241Thr)

Gene: SZT2 (SZT2 subunit of KICSTOR complex; plus strand). Cytogenetic location: 1p34.2.
Variant type: single nucleotide variant.
Coding change: c.3722T>C on transcript NM_001365999.1 (MANE Select); coding-DNA position 3722, T replaced by C.
Protein change: p.Ile1241Thr; replaces isoleucine 1241 with threonine.
Molecular consequence: missense variant.
Genome position (GRCh38, 1-based): chr1:43,427,653, T>C. VCF-style: chr1-43427653-T-C. GRCh37 (hg19) VCF-style: chr1-43893324-T-C.
Other names: c.3551T>C, p.Ile1184Thr (NM_015284.4); short protein forms I1184T, I1241T.
Identifiers: ClinVar variation 1062170 (VCV001062170.7), dbSNP rs145760361, ClinGen allele CA809074.
Genomic context (GRCh38, chr1:43,427,653, plus strand): 5'-GGCGTCAGGCTTCCCAGACAGAGAGTGCGGATGGGCCCCGGACCCGGTGTCCTGTCTACA[T>C]CTACAGCTGTTCACTGGAAGCGCTGAGGGAACAAATGGTTGGCATGCAGCCCCCTCAGGC-3'
Protein context (NP_001352928.1, residues 1231-1251): DGPRTRCPVY[Ile1241Thr]YSCSLEALRE